The following is an entry in ClinVar:

ClinVar aggregate classification (germline): Uncertain significance (1 of 4 stars; one submission).

Conditions:
Hereditary cancer-predisposing syndrome. Also called: Neoplastic Syndromes, Hereditary; Tumor predisposition; Hereditary Cancer Syndrome; Hereditary neoplastic syndrome. Identifiers: Orphanet 140162, MedGen C0027672, MeSH D009386, MONDO:0015356.

Submission:

Ambry Genetics
Classification: Uncertain significance for Hereditary cancer-predisposing syndrome. Last evaluated: 2024-06-27. Review status: criteria provided, single submitter. Criteria: Ambry Variant Classification Scheme 2023. Collection method: clinical testing. Allele origin: germline.
Comment: The p.M532K variant (also known as c.1595T>A), located in coding exon 11 of the MSH3 gene, results from a T to A substitution at nucleotide position 1595. The methionine at codon 532 is replaced by lysine, an amino acid with similar properties. This amino acid position is conserved. In addition, this alteration is predicted to be tolerated by in silico analysis. Since supporting evidence is limited at this time, the clinical significance of this alteration remains unclear.

NM_002439.5(MSH3):c.1595T>A (p.Met532Lys)

Gene: MSH3 (mutS homolog 3; plus strand). Cytogenetic location: 5q14.1.
Variant type: single nucleotide variant.
Coding change: c.1595T>A on transcript NM_002439.5 (MANE Select); coding-DNA position 1595, T replaced by A.
Protein change: p.Met532Lys; replaces methionine 532 with lysine.
Molecular consequence: missense variant.
Genome position (GRCh38, 1-based): chr5:80,741,490, T>A. VCF-style: chr5-80741490-T-A. GRCh37 (hg19) VCF-style: chr5-80037309-T-A.
Other names: short protein forms M532K.
Identifiers: ClinVar variation 1776002 (VCV001776002.3), dbSNP rs1580597313, ClinGen allele CA360274469.